The following is an entry in ClinVar:

ClinVar aggregate classification (germline): Pathogenic (1 of 4 stars; one submission).

Allele frequency attached by ClinVar (database versions not stated): gnomAD exomes below 0.00001.
gnomAD v4.1: 1 of 1,613,386 alleles (0.000062%); highest among the groups gnomAD compares: Non-Finnish European, 0.000085%; no homozygotes.

Submission:

Labcorp Genetics (formerly Invitae), Labcorp
Classification: Pathogenic. Last evaluated: 2023-08-07. Review status: criteria provided, single submitter. Criteria: Invitae Variant Classification Sherloc (09022015). Collection method: clinical testing. Allele origin: germline.
Comment: For these reasons, this variant has been classified as Pathogenic. Algorithms developed to predict the effect of sequence changes on RNA splicing suggest that this variant may disrupt the consensus splice site. Disruption of this splice site has been observed in individuals with Alport syndrome (PMID: 25307543). This variant is present in population databases (no rsID available, gnomAD 0.0009%). This sequence change affects a donor splice site in intron 44 of the COL4A3 gene. It is expected to disrupt RNA splicing. Variants that disrupt the donor or acceptor splice site typically lead to a loss of protein function (PMID: 16199547), and loss-of-function variants in COL4A3 are known to be pathogenic (PMID: 8956999, 24854265, 26809805, 27281700).

Literature cited by the submitters: PubMed 25307543; PubMed 16199547; PubMed 8956999; PubMed 24854265; PubMed 26809805; PubMed 27281700.

NM_000091.5(COL4A3):c.3955+2T>G

Genes: COL4A3 (collagen type IV alpha 3 chain; plus strand), MFF-DT (MFF divergent transcript; minus strand). Cytogenetic location: 2q36.3.
Variant type: single nucleotide variant.
Coding change: c.3955+2T>G on transcript NM_000091.5 (MANE Select); the canonical splice donor site of the intron after coding-DNA position 3955, T replaced by G.
Molecular consequence: splice donor variant.
Genome position (GRCh38, 1-based): chr2:227,303,112, T>G. VCF-style: chr2-227303112-T-G. GRCh37 (hg19) VCF-style: chr2-228167828-T-G.
Identifiers: ClinVar variation 2747615 (VCV002747615.3), dbSNP rs1198975553, ClinGen allele CA350862287.